The following is an entry in ClinVar:

ClinVar aggregate classification (germline): Uncertain significance (1 of 4 stars; one submission).

Conditions:
Atrial fibrillation, familial, 6 (ATFB6). Identifiers: MedGen C2677294, MONDO:0012816, OMIM 612201.

Submission:

Labcorp Genetics (formerly Invitae), Labcorp
Classification: Uncertain significance for Atrial fibrillation, familial, 6. Last evaluated: 2023-05-11. Review status: criteria provided, single submitter. Criteria: Invitae Variant Classification Sherloc (09022015). Collection method: clinical testing. Allele origin: germline.
Comment: In summary, the available evidence is currently insufficient to determine the role of this variant in disease. Therefore, it has been classified as a Variant of Uncertain Significance. An algorithm developed to predict the effect of missense changes on protein structure and function (PolyPhen-2) suggests that this variant is likely to be disruptive. This variant is not present in population databases (gnomAD no frequency). This sequence change replaces proline, which is neutral and non-polar, with glutamine, which is neutral and polar, at codon 89 of the NPPA protein (p.Pro89Gln). This variant has not been reported in the literature in individuals affected with NPPA-related conditions.

NM_006172.4(NPPA):c.266C>A (p.Pro89Gln)

Genes: NPPA (natriuretic peptide A; minus strand), NPPA-AS1 (NPPA antisense RNA 1; plus strand), LOC114827827 (VISTA enhancer hs2123; plus strand). Cytogenetic location: 1p36.22.
Variant type: single nucleotide variant.
Coding change: c.266C>A on transcript NM_006172.4 (MANE Select); coding-DNA position 266, C replaced by A.
Protein change: p.Pro89Gln; replaces proline 89 with glutamine.
Molecular consequence: missense variant.
Genome position (GRCh38, 1-based): chr1:11,847,297, G>T on the plus strand (C>A on the coding strand, the complement: NPPA is on the minus strand). VCF-style: chr1-11847297-G-T. GRCh37 (hg19) VCF-style: chr1-11907354-G-T.
Other names: short protein forms P89Q.
Identifiers: ClinVar variation 2871910 (VCV002871910.3), dbSNP rs1645075648, ClinGen allele CA338450531.